The following is an entry in ClinVar:

ClinVar aggregate classification (germline): Uncertain significance (1 of 4 stars; one submission).

Allele frequency attached by ClinVar (database versions not stated): ExAC 0.00002.
gnomAD v4.1: 13 of 1,614,136 alleles (0.00081%); highest among the groups gnomAD compares: South Asian, 0.0033%; no homozygotes.

Submission:

Labcorp Genetics (formerly Invitae), Labcorp
Classification: Uncertain significance. Last evaluated: 2022-08-09. Review status: criteria provided, single submitter. Criteria: Invitae Variant Classification Sherloc (09022015). Collection method: clinical testing. Allele origin: germline.
Comment: This variant is present in population databases (rs368957667, gnomAD 0.006%). In summary, the available evidence is currently insufficient to determine the role of this variant in disease. Therefore, it has been classified as a Variant of Uncertain Significance. Advanced modeling of protein sequence and biophysical properties (such as structural, functional, and spatial information, amino acid conservation, physicochemical variation, residue mobility, and thermodynamic stability) performed at Invitae indicates that this missense variant is not expected to disrupt CNGB1 protein function. ClinVar contains an entry for this variant (Variation ID: 1404570). This variant has not been reported in the literature in individuals affected with CNGB1-related conditions. This sequence change replaces alanine, which is neutral and non-polar, with threonine, which is neutral and polar, at codon 90 of the CNGB1 protein (p.Ala90Thr).

NM_001297.5(CNGB1):c.268G>A (p.Ala90Thr)

Gene: CNGB1 (cyclic nucleotide gated channel subunit beta 1; minus strand). Cytogenetic location: 16q21.
Variant type: single nucleotide variant.
Coding change: c.268G>A on transcript NM_001297.5 (MANE Select); coding-DNA position 268, G replaced by A.
Protein change: p.Ala90Thr; replaces alanine 90 with threonine.
Molecular consequence: missense variant.
Genome position (GRCh38, 1-based): chr16:57,964,152, C>T on the plus strand (G>A on the coding strand, the complement: CNGB1 is on the minus strand). VCF-style: chr16-57964152-C-T. GRCh37 (hg19) VCF-style: chr16-57998056-C-T.
Other names: c.268G>A, p.Ala90Thr (NM_001135639.2, NM_001286130.2); short protein forms A90T.
Identifiers: ClinVar variation 1404570 (VCV001404570.5), dbSNP rs368957667, ClinGen allele CA8083925.